The following is an entry in ClinVar:

NM_152309.3(PIK3AP1):c.796A>G (p.Met266Val)

Gene: PIK3AP1 (phosphoinositide-3-kinase adaptor protein 1; minus strand). Cytogenetic location: 10q24.1.
Variant type: single nucleotide variant.
Coding change: c.796A>G on transcript NM_152309.3 (MANE Select); coding-DNA position 796, A replaced by G.
Protein change: p.Met266Val; replaces methionine 266 with valine.
Molecular consequence: missense variant.
Genome position (GRCh38, 1-based): chr10:96,651,568, T>C on the plus strand (A>G on the coding strand, the complement: PIK3AP1 is on the minus strand). VCF-style: chr10-96651568-T-C. GRCh37 (hg19) VCF-style: chr10-98411325-T-C.
Other names: short protein forms M266V.
Identifiers: ClinVar variation 851312 (VCV000851312.9), dbSNP rs371873967, ClinGen allele CA5626448.
Genomic context (GRCh38, chr10:96,651,568, plus strand): 5'-CCTGACACATGAATTCCACAGGATTCGCGGCATTGGACAATAAATTCCCAATTTCTTCCA[T>C]GTCAGTATAATAGCTGATAACGGTTTCACACACCACTAAGTCTCCAGAATATATCTTCAG-3'
Protein context (NP_689522.2, residues 256-276): CETVISYYTD[Met266Val]EEIGNLLSNA

ClinVar aggregate classification (germline): Uncertain significance (1 of 4 stars; one submission).

Conditions:
Infantile spasms. Also called: Infantile spasm. Identifiers: MedGen C3887898, HP:0012469.

Allele frequency attached by ClinVar (database versions not stated): TOPMed 0.00007; ExAC 0.00010; ESP Exome Variant Server 0.00015.
gnomAD v4.1: 306 of 1,614,192 alleles (0.019%); highest among the groups gnomAD compares: Non-Finnish European, 0.025%; no homozygotes.

Submission:

Labcorp Genetics (formerly Invitae), Labcorp
Classification: Uncertain significance for Infantile spasms. Last evaluated: 2025-05-10. Review status: criteria provided, single submitter. Criteria: Invitae Variant Classification Sherloc (09022015). Collection method: clinical testing. Allele origin: germline.
Comment: This sequence change replaces methionine, which is neutral and non-polar, with valine, which is neutral and non-polar, at codon 266 of the PIK3AP1 protein (p.Met266Val). This variant is present in population databases (rs371873967, gnomAD 0.02%). This variant has not been reported in the literature in individuals affected with PIK3AP1-related conditions. ClinVar contains an entry for this variant (Variation ID: 851312). An algorithm developed to predict the effect of missense changes on protein structure and function (PolyPhen-2) suggests that this variant is likely to be tolerated. In summary, the available evidence is currently insufficient to determine the role of this variant in disease. Therefore, it has been classified as a Variant of Uncertain Significance.